The following is an entry in ClinVar:

ClinVar aggregate classification (germline): Uncertain significance (1 of 4 stars; one submission).

Submission:

GeneDx
Classification: Uncertain significance. Last evaluated: 2023-02-03. Review status: criteria provided, single submitter. Criteria: GeneDx Variant Classification Process June 2021. Collection method: clinical testing. Allele origin: germline. Affected: yes.
Comment: Not observed at significant frequency in large population cohorts (gnomAD); In silico analysis supports that this missense variant has a deleterious effect on protein structure/function; Has not been previously published as pathogenic or benign to our knowledge

NM_005573.4(LMNB1):c.946G>C (p.Ala316Pro)

Gene: LMNB1 (lamin B1; plus strand). Cytogenetic location: 5q23.2.
Variant type: single nucleotide variant.
Coding change: c.946G>C on transcript NM_005573.4 (MANE Select); coding-DNA position 946, G replaced by C.
Protein change: p.Ala316Pro; replaces alanine 316 with proline.
Molecular consequence: missense variant. On other transcripts: non-coding transcript variant (2).
Genome position (GRCh38, 1-based): chr5:126,818,928, G>C. VCF-style: chr5-126818928-G-C. GRCh37 (hg19) VCF-style: chr5-126154620-G-C.
Other names: c.316G>C, p.Ala106Pro (NM_001198557.2); short protein forms A106P, A316P.
Identifiers: ClinVar variation 2574877 (VCV002574877.1), dbSNP rs1355755081, ClinGen allele CA360724754.